The following is an entry in ClinVar:

ClinVar aggregate classification (germline): Pathogenic (1 of 4 stars; one submission).

Submission:

Labcorp Genetics (formerly Invitae), Labcorp
Classification: Pathogenic. Last evaluated: 2022-11-10. Review status: criteria provided, single submitter. Criteria: Invitae Variant Classification Sherloc (09022015). Collection method: clinical testing. Allele origin: germline.
Comment: This variant has not been reported in the literature in individuals affected with ATP6V1B1-related conditions. For these reasons, this variant has been classified as Pathogenic. This variant is not present in population databases (gnomAD no frequency). This sequence change creates a premature translational stop signal (p.Val83Argfs*12) in the ATP6V1B1 gene. It is expected to result in an absent or disrupted protein product. Loss-of-function variants in ATP6V1B1 are known to be pathogenic (PMID: 9916796, 18368028).

Literature cited by the submitters: PubMed 9916796; PubMed 18368028.

NM_001692.4(ATP6V1B1):c.246_247insC (p.Val83fs)

Gene: ATP6V1B1 (ATPase H+ transporting V1 subunit B1; plus strand). Cytogenetic location: 2p13.3.
Variant type: Insertion.
Coding change: c.246_247insC on transcript NM_001692.4 (MANE Select); coding-DNA positions 246 to 247, C inserted.
Protein change: p.Val83fs; shifts the reading frame from valine 83.
Molecular consequence: frameshift variant.
Genome position: GRCh38 VCF-style: chr2-70958117-G-GC. GRCh37 (hg19) VCF-style: chr2-71185247-G-GC.
Other names: short protein forms V83fs.
Identifiers: ClinVar variation 2813310 (VCV002813310.3), dbSNP rs2466284165, ClinGen allele CA2739274547.